The following is an entry in ClinVar:

NM_004380.3(CREBBP):c.618G>A (p.Ala206=)

Gene: CREBBP (CREB binding lysine acetyltransferase; minus strand). Cytogenetic location: 16p13.3.
Variant type: single nucleotide variant.
Coding change: c.618G>A on transcript NM_004380.3 (MANE Select); coding-DNA position 618, G replaced by A.
Protein change: p.Ala206=; no amino-acid change (alanine 206 retained).
Molecular consequence: synonymous variant.
Genome position (GRCh38, 1-based): chr16:3,850,477, C>T on the plus strand (G>A on the coding strand, the complement: CREBBP is on the minus strand). VCF-style: chr16-3850477-C-T. GRCh37 (hg19) VCF-style: chr16-3900478-C-T.
Other names: c.618G>A, p.Ala206= (NM_001079846.1); c.618G>A (NM_004380.2).
Identifiers: ClinVar variation 3341751 (VCV003341751.16).
Genomic context (GRCh38, chr16:3,850,477, plus strand): 5'-GTACGGCATTCCAGCTCCCCTTCCTCTGCCAGCAGCCCCAAGAGATCCATTCATGACTTG[C>T]GCCTGCCCTTGTGAAGCCTGATTAATTAAGCTATGGCCAGAGTTACTATTGAGGAGGCCT-3'
Protein context (NP_004371.2, residues 196-216): SLINQASQGQ[Ala206=]QVMNGSLGAA

ClinVar aggregate classification (germline): Likely benign. Review status: criteria provided, single submitter (1 of 4 stars). 2 submissions from 2 submitters: Likely benign (1). 1 of the submissions does not count toward it. Last evaluated 2024-08-01.

Conditions:
CREBBP-related disorder. Also called: CREBBP-related condition; CREBBP-related disorders.

gnomAD v4.1: 7 of 1,614,132 alleles (0.00043%); highest among the groups gnomAD compares: South Asian, 0.0011%; no homozygotes.

Submissions (2):

CeGaT Center for Human Genetics Tuebingen
Classification: Likely benign. Last evaluated: 2024-08-01. Review status: criteria provided, single submitter. Criteria: CeGaT Center For Human Genetics Tuebingen Variant Classification Criteria Version 2. Collection method: clinical testing. Allele origin: germline. Affected: yes. Observed: 1 variant allele.
Comment: CREBBP: BP4, BP7

PreventionGenetics, part of Exact Sciences
Classification: Likely benign for CREBBP-related condition. Last evaluated: 2024-05-10. Review status: no assertion criteria provided. Collection method: clinical testing. Allele origin: germline. Not counted in ClinVar's aggregate classification.
Comment: This variant is classified as likely benign based on ACMG/AMP sequence variant interpretation guidelines (Richards et al. 2015 PMID: 25741868, with internal and published modifications).